The following is an entry in ClinVar:

NM_001302998.2(LIPI):c.1339G>A (p.Glu447Lys)

Gene: LIPI (lipase I; minus strand). Cytogenetic location: 21q11.2.
Variant type: single nucleotide variant.
Coding change: c.1339G>A on transcript NM_001302998.2 (MANE Select); coding-DNA position 1339, G replaced by A.
Protein change: p.Glu447Lys; replaces glutamic acid 447 with lysine.
Molecular consequence: missense variant. On other transcripts: synonymous variant (1).
Genome position (GRCh38, 1-based): chr21:14,109,037, C>T on the plus strand (G>A on the coding strand, the complement: LIPI is on the minus strand). VCF-style: chr21-14109037-C-T. GRCh37 (hg19) VCF-style: chr21-15481358-C-T.
Other names: c.1249G>A, p.Glu417Lys (NM_001302999.2); c.1321G>A, p.Glu441Lys (NM_001303000.2); c.1050G>A, p.Arg350= (NM_001303001.2); c.1234G>A, p.Glu412Lys (NM_001379565.1); c.844G>A, p.Glu282Lys (NM_001379566.1); c.1204G>A, p.Glu402Lys (NM_198996.4); short protein forms E282K, E402K, E412K, E417K, E441K, E447K.
Identifiers: ClinVar variation 3615060 (VCV003615060.2).

ClinVar aggregate classification (germline): Uncertain significance (1 of 4 stars; one submission).

gnomAD v4.1: 28 of 1,596,726 alleles (0.0018%); highest among the groups gnomAD compares: East Asian, 0.063%; 1 homozygote.

Submission:

Labcorp Genetics (formerly Invitae), Labcorp
Classification: Uncertain significance. Last evaluated: 2024-09-22. Review status: criteria provided, single submitter. Criteria: Invitae Variant Classification Sherloc (09022015). Collection method: clinical testing. Allele origin: germline.
Comment: This sequence change replaces glutamic acid, which is acidic and polar, with lysine, which is basic and polar, at codon 468 of the LIPI protein (p.Glu468Lys). This variant is present in population databases (rs753936672, gnomAD 0.09%), and has an allele count higher than expected for a pathogenic variant. This variant has not been reported in the literature in individuals affected with LIPI-related conditions. An algorithm developed to predict the effect of missense changes on protein structure and function (PolyPhen-2) suggests that this variant is likely to be tolerated. In summary, the available evidence is currently insufficient to determine the role of this variant in disease. Therefore, it has been classified as a Variant of Uncertain Significance.